The following is an entry in ClinVar:

ClinVar aggregate classification (germline): Uncertain significance (1 of 4 stars; one submission).

Conditions:
Hereditary cancer-predisposing syndrome. Also called: Hereditary Cancer Syndrome; Hereditary neoplastic syndrome; Neoplastic Syndromes, Hereditary; Tumor predisposition. Identifiers: Orphanet 140162, MedGen C0027672, MeSH D009386, MONDO:0015356.

Submission:

Ambry Genetics
Classification: Uncertain significance for Hereditary cancer-predisposing syndrome. Last evaluated: 2022-06-08. Review status: criteria provided, single submitter. Criteria: Ambry Variant Classification Scheme 2023. Collection method: clinical testing. Allele origin: germline.
Comment: The p.K33N variant (also known as c.99G>T), located in coding exon 2 of the POT1 gene, results from a G to T substitution at nucleotide position 99. The lysine at codon 33 is replaced by asparagine, an amino acid with similar properties. This amino acid position is highly conserved in available vertebrate species. In addition, this alteration is predicted to be tolerated by in silico analysis. Since supporting evidence is limited at this time, the clinical significance of this alteration remains unclear.

NM_015450.3(POT1):c.99G>T (p.Lys33Asn)

Gene: POT1 (protection of telomeres 1; minus strand). Cytogenetic location: 7q31.33.
Variant type: single nucleotide variant.
Coding change: c.99G>T on transcript NM_015450.3 (MANE Select); coding-DNA position 99, G replaced by T.
Protein change: p.Lys33Asn; replaces lysine 33 with asparagine.
Molecular consequence: missense variant. On other transcripts: 5 prime UTR variant (1), non-coding transcript variant (3).
Genome position (GRCh38, 1-based): chr7:124,892,291, C>A on the plus strand (G>T on the coding strand, the complement: POT1 is on the minus strand). VCF-style: chr7-124892291-C-A. GRCh37 (hg19) VCF-style: chr7-124532345-C-A.
Other names: c.-164G>T (NM_001042594.2); short protein forms K33N.
Identifiers: ClinVar variation 1768897 (VCV001768897.2), dbSNP rs2116629621, ClinGen allele CA369066028.